The following is an entry in ClinVar:

ClinVar aggregate classification (germline): Likely benign (1 of 4 stars; one submission).

Submission:

CeGaT Center for Human Genetics Tuebingen
Classification: Likely benign. Last evaluated: 2025-08-01. Review status: criteria provided, single submitter. Criteria: CeGaT Center For Human Genetics Tuebingen Variant Classification Criteria Version 2. Collection method: clinical testing. Allele origin: germline. Affected: yes. Observed: 1 variant allele.
Comment: ALK: PM2:Supporting, BP4, BP7

NM_004304.5(ALK):c.966T>C (p.Leu322=)

Gene: ALK (ALK receptor tyrosine kinase; minus strand). Cytogenetic location: 2p23.2.
Variant type: single nucleotide variant.
Coding change: c.966T>C on transcript NM_004304.5 (MANE Select); coding-DNA position 966, T replaced by C.
Protein change: p.Leu322=; no amino-acid change (leucine 322 retained).
Molecular consequence: synonymous variant.
Genome position (GRCh38, 1-based): chr2:29,532,103, A>G on the plus strand (T>C on the coding strand, the complement: ALK is on the minus strand). VCF-style: chr2-29532103-A-G. GRCh37 (hg19) VCF-style: chr2-29754969-A-G.
Identifiers: ClinVar variation 4085683 (VCV004085683.8).